The following is an entry in ClinVar:

ClinVar aggregate classification (germline): Uncertain significance. Review status: criteria provided, multiple submitters, no conflicts (2 of 4 stars). 2 submissions from 2 submitters: Uncertain significance (2). Last evaluated 2025-04-18.

Conditions:
Facioscapulohumeral muscular dystrophy 2 (FSHD2). Also called: MUSCULAR DYSTROPHY, FACIOSCAPULOHUMERAL, TYPE 1B; FACIOSCAPULOHUMERAL MUSCULAR DYSTROPHY 2, DIGENIC; FSHD2, DIGENIC. Identifiers: Orphanet 269, MedGen C1834671, MONDO:0008031, OMIM 158901.
Inborn genetic diseases. Identifiers: MedGen C0950123, MeSH D030342.

gnomAD v4.1: 1 of 1,613,842 alleles (0.000062%); highest among the groups gnomAD compares: African/African-American, 0.0013%; no homozygotes.

Submissions (2):

Ambry Genetics
Classification: Uncertain significance for Inborn genetic diseases. Last evaluated: 2025-04-18. Review status: criteria provided, single submitter. Criteria: Ambry Variant Classification Scheme 2023. Collection method: clinical testing. Allele origin: germline.

Labcorp Genetics (formerly Invitae), Labcorp
Classification: Uncertain significance for Facioscapulohumeral muscular dystrophy 2. Last evaluated: 2025-03-13. Review status: criteria provided, single submitter. Criteria: Invitae Variant Classification Sherloc (09022015). Collection method: clinical testing. Allele origin: germline.
Comment: This sequence change replaces asparagine, which is neutral and polar, with serine, which is neutral and polar, at codon 229 of the SMCHD1 protein (p.Asn229Ser). This variant is not present in population databases (gnomAD no frequency). This variant has not been reported in the literature in individuals affected with SMCHD1-related conditions. Invitae Evidence Modeling of protein sequence and biophysical properties (such as structural, functional, and spatial information, amino acid conservation, physicochemical variation, residue mobility, and thermodynamic stability) has been performed for this missense variant. However, the output from this modeling did not meet the statistical confidence thresholds required to predict the impact of this variant on SMCHD1 protein function. In summary, the available evidence is currently insufficient to determine the role of this variant in disease. Therefore, it has been classified as a Variant of Uncertain Significance.

NM_015295.3(SMCHD1):c.686A>G (p.Asn229Ser)

Gene: SMCHD1 (structural maintenance of chromosomes flexible hinge domain containing 1; plus strand). Cytogenetic location: 18p11.32.
Variant type: single nucleotide variant.
Coding change: c.686A>G on transcript NM_015295.3 (MANE Select); coding-DNA position 686, A replaced by G.
Protein change: p.Asn229Ser; replaces asparagine 229 with serine.
Molecular consequence: missense variant.
Genome position (GRCh38, 1-based): chr18:2,688,441, A>G. VCF-style: chr18-2688441-A-G. GRCh37 (hg19) VCF-style: chr18-2688439-A-G.
Other names: short protein forms N229S.
Identifiers: ClinVar variation 3958714 (VCV003958714.2).